The following is an entry in ClinVar:

NM_015041.3(CLUAP1):c.278C>T (p.Ala93Val)

Gene: CLUAP1 (clusterin associated protein 1; plus strand). Cytogenetic location: 16p13.3.
Variant type: single nucleotide variant.
Coding change: c.278C>T on transcript NM_015041.3 (MANE Select); coding-DNA position 278, C replaced by T.
Protein change: p.Ala93Val; replaces alanine 93 with valine.
Molecular consequence: missense variant.
Genome position (GRCh38, 1-based): chr16:3,508,347, C>T. VCF-style: chr16-3508347-C-T. GRCh37 (hg19) VCF-style: chr16-3558347-C-T.
Other names: c.278C>T, p.Ala93Val (NM_001330454.2); short protein forms A93V.
Identifiers: ClinVar variation 1432086 (VCV001432086.6), dbSNP rs531380218, ClinGen allele CA7863668.

ClinVar aggregate classification (germline): Uncertain significance (1 of 4 stars; one submission).

Allele frequency attached by ClinVar (database versions not stated): gnomAD exomes 0.00005 and 0.00014; ExAC 0.00013; 1000 Genomes Project 30x 0.00031; 1000 Genomes Project 0.00040.
gnomAD v4.1: 78 of 1,608,972 alleles (0.0048%); highest among the groups gnomAD compares: South Asian, 0.067%; no homozygotes.

Submission:

Labcorp Genetics (formerly Invitae), Labcorp
Classification: Uncertain significance. Last evaluated: 2025-09-16. Review status: criteria provided, single submitter. Criteria: Invitae Variant Classification Sherloc (09022015). Collection method: clinical testing. Allele origin: germline.
Comment: This sequence change replaces alanine, which is neutral and non-polar, with valine, which is neutral and non-polar, at codon 93 of the CLUAP1 protein (p.Ala93Val). This variant is present in population databases (rs531380218, gnomAD 0.1%), and has an allele count higher than expected for a pathogenic variant. This variant has not been reported in the literature in individuals affected with CLUAP1-related conditions. ClinVar contains an entry for this variant (Variation ID: 1432086). Invitae Evidence Modeling of protein sequence and biophysical properties (such as structural, functional, and spatial information, amino acid conservation, physicochemical variation, residue mobility, and thermodynamic stability) has been performed for this missense variant. However, the output from this modeling did not meet the statistical confidence thresholds required to predict the impact of this variant on CLUAP1 protein function. In summary, the available evidence is currently insufficient to determine the role of this variant in disease. Therefore, it has been classified as a Variant of Uncertain Significance.